The following is an entry in ClinVar:

ClinVar aggregate classification (germline): Uncertain significance (1 of 4 stars; one submission).

Conditions:
Inborn genetic diseases. Identifiers: MedGen C0950123, MeSH D030342.

gnomAD v4.1: 3 of 639,770 alleles (0.00047%); highest among the groups gnomAD compares: Non-Finnish European, 0.00048%; no homozygotes.

Submission:

Ambry Genetics
Classification: Uncertain significance for Inborn genetic diseases. Last evaluated: 2025-02-01. Review status: criteria provided, single submitter. Criteria: Ambry Variant Classification Scheme 2023. Collection method: clinical testing. Allele origin: germline.
Comment: The p.I410M variant (also known as c.1230A>G), located in coding exon 5 of the SH2B3 gene, results from an A to G substitution at nucleotide position 1230. The isoleucine at codon 410 is replaced by methionine, an amino acid with highly similar properties. This amino acid position is conserved. In addition, this alteration is predicted to be tolerated by in silico analysis. Based on the available evidence, the clinical significance of this variant remains unclear.

NM_005475.3(SH2B3):c.1230A>G (p.Ile410Met)

Gene: SH2B3 (SH2B adaptor protein 3; plus strand). Cytogenetic location: 12q24.12.
Variant type: single nucleotide variant.
Coding change: c.1230A>G on transcript NM_005475.3 (MANE Select); coding-DNA position 1230, A replaced by G.
Protein change: p.Ile410Met; replaces isoleucine 410 with methionine.
Molecular consequence: missense variant.
Genome position (GRCh38, 1-based): chr12:111,447,538, A>G. VCF-style: chr12-111447538-A-G. GRCh37 (hg19) VCF-style: chr12-111885342-A-G.
Other names: c.624A>G, p.Ile208Met (NM_001291424.1); short protein forms I208M, I410M.
Identifiers: ClinVar variation 3795155 (VCV003795155.1).